The following is an entry in ClinVar:

NM_001374828.1(ARID1B):c.1268C>T (p.Ala423Val)

Gene: ARID1B (AT-rich interaction domain 1B; plus strand). Cytogenetic location: 6q25.3.
Variant type: single nucleotide variant.
Coding change: c.1268C>T on transcript NM_001374828.1 (MANE Select); coding-DNA position 1268, C replaced by T.
Protein change: p.Ala423Val; replaces alanine 423 with valine.
Molecular consequence: missense variant.
Genome position (GRCh38, 1-based): chr6:156,778,948, C>T. VCF-style: chr6-156778948-C-T. GRCh37 (hg19) VCF-style: chr6-157100082-C-T.
Other names: c.1268C>T, p.Ala423Val (NM_001371656.1, NM_001374820.1, NM_017519.3); short protein forms A423V.
Identifiers: ClinVar variation 235645 (VCV000235645.8), dbSNP rs878853084, ClinGen allele CA10581384.

ClinVar aggregate classification (germline): Conflicting classifications of pathogenicity. Review status: criteria provided, conflicting classifications (1 of 4 stars). 2 submissions from 2 submitters: Uncertain significance (1); Likely benign (1). Last evaluated 2024-10-16.

Allele frequency attached by ClinVar (database versions not stated): gnomAD exomes 0.00001.
gnomAD v4.1: 28 of 1,282,842 alleles (0.0022%); highest among the groups gnomAD compares: Admixed American, 0.0042%; no homozygotes.

Submissions (2):

Labcorp Genetics (formerly Invitae), Labcorp
Classification: Uncertain significance. Last evaluated: 2024-10-16. Review status: criteria provided, single submitter. Criteria: Invitae Variant Classification Sherloc (09022015). Collection method: clinical testing. Allele origin: germline.
Comment: This sequence change replaces alanine, which is neutral and non-polar, with valine, which is neutral and non-polar, at codon 340 of the ARID1B protein (p.Ala340Val). The frequency data for this variant in the population databases is considered unreliable, as metrics indicate insufficient coverage at this position in the gnomAD database. This variant has not been reported in the literature in individuals affected with ARID1B-related conditions. ClinVar contains an entry for this variant (Variation ID: 235645). Invitae Evidence Modeling of protein sequence and biophysical properties (such as structural, functional, and spatial information, amino acid conservation, physicochemical variation, residue mobility, and thermodynamic stability) indicates that this missense variant is not expected to disrupt ARID1B protein function with a negative predictive value of 95%. In summary, the available evidence is currently insufficient to determine the role of this variant in disease. Therefore, it has been classified as a Variant of Uncertain Significance.

Center for Pediatric Genomic Medicine, Children's Mercy Hospital and Clinics
Classification: Likely benign. Last evaluated: 2016-05-10. Review status: criteria provided, single submitter. Criteria: ACMG Guidelines, 2015. Collection method: clinical testing. Allele origin: germline.
ClinVar note: Converted during submission from Likely Benign to Likely benign.